The following is an entry in ClinVar:

ClinVar aggregate classification (germline): Likely benign (1 of 4 stars; one submission).

gnomAD v4.1: 11 of 1,610,172 alleles (0.00068%); highest among the groups gnomAD compares: Non-Finnish European, 0.00085%; no homozygotes.

Submission:

CeGaT Center for Human Genetics Tuebingen
Classification: Likely benign. Last evaluated: 2025-07-01. Review status: criteria provided, single submitter. Criteria: CeGaT Center For Human Genetics Tuebingen Variant Classification Criteria Version 2. Collection method: clinical testing. Allele origin: germline. Affected: yes. Observed: 1 variant allele.
Comment: FIG4: BP4, BP7

NM_014845.6(FIG4):c.1407A>G (p.Gly469=)

Gene: FIG4 (FIG4 phosphoinositide 5-phosphatase; plus strand). Cytogenetic location: 6q21.
Variant type: single nucleotide variant.
Coding change: c.1407A>G on transcript NM_014845.6 (MANE Select); coding-DNA position 1407, A replaced by G.
Protein change: p.Gly469=; no amino-acid change (glycine 469 retained).
Molecular consequence: synonymous variant.
Genome position (GRCh38, 1-based): chr6:109,763,955, A>G. VCF-style: chr6-109763955-A-G. GRCh37 (hg19) VCF-style: chr6-110085158-A-G.
Identifiers: ClinVar variation 4085490 (VCV004085490.8).